The following is an entry in ClinVar:

ClinVar aggregate classification (germline): Benign/Likely benign. Review status: criteria provided, multiple submitters, no conflicts (2 of 4 stars). 3 submissions from 3 submitters: Benign (1); Likely benign (2). Last evaluated 2025-12-14.

Conditions:
Hereditary cancer-predisposing syndrome. Also called: Hereditary Cancer Syndrome; Tumor predisposition; Neoplastic Syndromes, Hereditary; Hereditary neoplastic syndrome. Identifiers: Orphanet 140162, MedGen C0027672, MeSH D009386, MONDO:0015356.
Oligodontia-cancer predisposition syndrome. Also called: TOOTH AGENESIS-COLORECTAL CANCER SYNDROME. Identifiers: Orphanet 300576, MedGen C1837750, MONDO:0012075, OMIM 608615. Disease mechanism: loss of function.

Allele frequency attached by ClinVar (database versions not stated): gnomAD below 0.00001 and 0.00001; gnomAD exomes 0.00001 and 0.00002; ExAC 0.00005.
gnomAD v4.1: 22 of 1,562,632 alleles (0.0014%); highest among the groups gnomAD compares: South Asian, 0.024%; no homozygotes.

Submissions (3):

Labcorp Genetics (formerly Invitae), Labcorp
Classification: Likely benign for Oligodontia-cancer predisposition syndrome. Last evaluated: 2025-12-14. Review status: criteria provided, single submitter. Criteria: Invitae Variant Classification Sherloc (09022015). Collection method: clinical testing. Allele origin: germline.

Myriad Genetics, Inc.
Classification: Benign for Oligodontia-cancer predisposition syndrome. Last evaluated: 2024-07-03. Review status: criteria provided, single submitter. Criteria: Myriad Autosomal Dominant, Autosomal Recessive and X-Linked Classification Criteria (2023). Collection method: clinical testing. Allele origin: unknown.
Comment: This variant is considered benign. This variant is a silent/synonymous amino acid change and it is not expected to impact splicing.

Ambry Genetics
Classification: Likely benign for Hereditary cancer-predisposing syndrome. Last evaluated: 2021-03-05. Review status: criteria provided, single submitter. Criteria: Ambry Variant Classification Scheme 2023. Collection method: clinical testing. Allele origin: germline.

NM_004655.4(AXIN2):c.1371A>G (p.Val457=)

Gene: AXIN2 (axin 2; minus strand). Cytogenetic location: 17q24.1.
Variant type: single nucleotide variant.
Coding change: c.1371A>G on transcript NM_004655.4 (MANE Select); coding-DNA position 1371, A replaced by G.
Protein change: p.Val457=; no amino-acid change (valine 457 retained).
Molecular consequence: synonymous variant.
Genome position (GRCh38, 1-based): chr17:65,537,665, T>C on the plus strand (A>G on the coding strand, the complement: AXIN2 is on the minus strand). VCF-style: chr17-65537665-T-C. GRCh37 (hg19) VCF-style: chr17-63533783-T-C.
Other names: c.1371A>G, p.Val457= (NM_001363813.1).
Identifiers: ClinVar variation 702975 (VCV000702975.12), dbSNP rs757050940, ClinGen allele CA8718669.